The following is an entry in ClinVar:

ClinVar aggregate classification (germline): Uncertain significance (1 of 4 stars; one submission).

Conditions:
Hereditary breast ovarian cancer syndrome. Also called: Hereditary breast and/or ovarian cancer syndrome; Hereditary breast and ovarian cancer syndrome; Hereditary breast and ovarian cancer; Hereditary breast and ovarian cancer syndrome (HBOC); Breast and ovarian cancer; BRCA1- and BRCA2-Associated Hereditary Breast and Ovarian Cancer. Identifiers: Orphanet 145, MedGen C0677776, MeSH D061325, MONDO:0003582. Disease mechanism: loss of function.

Submission:

Labcorp Genetics (formerly Invitae), Labcorp
Classification: Uncertain significance for Hereditary breast ovarian cancer syndrome. Last evaluated: 2019-05-29. Review status: criteria provided, single submitter. Criteria: Invitae Variant Classification Sherloc (09022015). Collection method: clinical testing. Allele origin: germline.
Comment: Nucleotide substitutions within the consensus splice site are a relatively common cause of aberrant splicing (PMID: 17576681, 9536098). Algorithms developed to predict the effect of sequence changes on RNA splicing suggest that this variant may disrupt the consensus splice site, but this prediction has not been confirmed by published transcriptional studies. In summary, the available evidence is currently insufficient to determine the role of this variant in disease. Therefore, it has been classified as a Variant of Uncertain Significance. This variant has not been reported in the literature in individuals with BRCA1-related conditions. This variant is not present in population databases (ExAC no frequency). This sequence change falls in intron 14 of the BRCA1 gene. It does not directly change the encoded amino acid sequence of the BRCA1 protein, but it affects a nucleotide within the consensus splice site of the intron.

Literature cited by the submitters: PubMed 17576681; PubMed 9536098.

NM_007294.4(BRCA1):c.4676-3C>G

Gene: BRCA1 (BRCA1 DNA repair associated; minus strand). Cytogenetic location: 17q21.31.
Variant type: single nucleotide variant.
Coding change: c.4676-3C>G on transcript NM_007294.4 (MANE Select); 3 bases into the intron before coding-DNA position 4676, C replaced by G.
Molecular consequence: intron variant.
Genome position (GRCh38, 1-based): chr17:43,071,241, G>C on the plus strand (C>G on the coding strand, the complement: BRCA1 is on the minus strand). VCF-style: chr17-43071241-G-C. GRCh37 (hg19) VCF-style: chr17-41223258-G-C.
Other names: c.1223-3C>G (NM_001408458.1, NM_001408461.1, NM_001408464.1 and 7 more transcripts); c.3785-3C>G (NM_001407967.1); c.4295-3C>G (NM_001407959.1); c.4409-3C>G (NM_001407931.1, NM_001407932.1, NM_001407928.1 and 4 more transcripts); c.4532-3C>G (NM_001407747.1, NM_001407745.1, NM_001407737.1 and 21 more transcripts); c.4292-3C>G (NM_001407962.1, NM_001407960.1); c.863-3C>G (NM_001408512.1); c.986-3C>G (NM_001408510.1); and 71 more.
Identifiers: ClinVar variation 940603 (VCV000940603.11), dbSNP rs2052431362, ClinGen allele CA1139665584.
Genomic context (GRCh38, chr17:43,071,241, plus strand): 5'-TCAGATTCAGGGTCATCAGAGAAGAGGCTGATTCCAGATTCCAGGTAAGGGGTTCCCTCT[G>C]AAAGGAATGGGAGAAGTTTAATTTACACAACGATGAATGTTGAATTACAAAGTTCTGGTC-3'